The following is an entry in ClinVar:

NM_000492.4(CFTR):c.4056G>T (p.Gln1352His)

Gene: CFTR (CF transmembrane conductance regulator; plus strand). Cytogenetic location: 7q31.2.
Variant type: single nucleotide variant.
Coding change: c.4056G>T on transcript NM_000492.4 (MANE Select); coding-DNA position 4056, G replaced by T.
Protein change: p.Gln1352His; replaces glutamine 1352 with histidine.
Molecular consequence: missense variant.
Genome position (GRCh38, 1-based): chr7:117,664,780, G>T. VCF-style: chr7-117664780-G-T. GRCh37 (hg19) VCF-style: chr7-117304834-G-T.
Other names: short protein forms Q1352H.
Identifiers: ClinVar variation 35882 (VCV000035882.41), dbSNP rs113857788, ClinGen allele CA260248.
Genomic context (GRCh38, chr7:117,664,780, plus strand): 5'-TGGGAAGCTTGACTTTGTCCTTGTGGATGGGGGCTGTGTCCTAAGCCATGGCCACAAGCA[G>T]TTGATGTGCTTGGCTAGATCTGTTCTCAGTAAGGCGAAGATCTTGCTGCTTGATGAACCC-3'
Protein context (NP_000483.3, residues 1342-1362): GGCVLSHGHK[Gln1352His]LMCLARSVLS

ClinVar aggregate classification (germline): Conflicting classifications of pathogenicity. Review status: criteria provided, conflicting classifications (1 of 4 stars). 10 submissions from 10 submitters: Pathogenic (1); Likely pathogenic (2); Uncertain significance (6); Likely benign (1). Last evaluated 2026-02-26.

Conditions:
Respiratory ciliopathies including non-CF bronchiectasis.
CFTR-related disorder (CFTR-RD). Also called: CFTR-related condition; CFTR-related disorders. Identifiers: MedGen C5924204, MONDO:7770004.
Bronchiectasis with or without elevated sweat chloride 1 (BESC1). Also called: Cystic Fibrosis-Like Syndrome. Identifiers: Orphanet 60033, MedGen C2749757, MONDO:0008887, OMIM 211400.
Congenital bilateral aplasia of vas deferens from CFTR mutation (CBAVD). Identifiers: Orphanet 48, MedGen C0403814, MONDO:0010178, OMIM 277180. Disease mechanism: loss of function.
Hereditary pancreatitis (PCTT). Also called: PRSS1-Related Hereditary Pancreatitis; Hereditary chronic pancreatitis. Identifiers: Orphanet 676, MedGen C0238339, MONDO:0008185, OMIM 167800.
Cystic fibrosis (CF). Also called: MUCOVISCIDOSIS. Identifiers: Orphanet 586, MedGen C0010674, MONDO:0009061, OMIM 219700. Disease mechanism: loss of function.

Allele frequency attached by ClinVar (database versions not stated): TOPMed 0.00001.

Submissions 1 to 5 of 10:

NHS Central & South Genomic Laboratory Hub
Classification: Likely pathogenic for Respiratory ciliopathies including non-CF bronchiectasis. Last evaluated: 2026-02-26. Review status: criteria provided, single submitter. Criteria: ACMG Guidelines, 2015. Collection method: clinical testing. Allele origin: germline. Affected: yes.

Labcorp Genetics (formerly Invitae), Labcorp
Classification: Likely benign for Cystic fibrosis. Last evaluated: 2026-01-06. Review status: criteria provided, single submitter. Criteria: Invitae Variant Classification Sherloc (09022015). Collection method: clinical testing. Allele origin: germline.

Women's Health and Genetics/Laboratory Corporation of America, LabCorp
Classification: Uncertain significance. Last evaluated: 2025-09-25. Review status: criteria provided, single submitter. Criteria: LabCorp Variant Classification Summary - May 2015. Collection method: clinical testing. Allele origin: germline.
Comment: Variant summary: CFTR c.4056G>T (p.Gln1352His) results in a non-conservative amino acid change located in the ABC transporter-like, ATP-binding domain (IPR003439) of the encoded protein sequence. Algorithms developed to predict the effect of missense changes on protein structure and function all suggest that this variant is likely to be disruptive. The variant allele was found at a frequency of 6e-05 in 251226 control chromosomes. This frequency is not significantly higher than estimated for disease-causing variants in CFTR, allowing no conclusion about variant significance.c.4056G>T has been reported in at least one homozygous patient with CBAVD (Claustres_2017). Another variant at this position, c.4056G>C (legacy c.4188 G>C), which encodes the same p.Gln1352His amino acid change, has been reported in the literature as well. The Gln1352His missense variant (in many cases without specifying nucleotide substitution) have been reported in individuals affected with multiple CFTR-Related Diseases, including chronic pancreatitis (Fujiki_2004, Lee_2003, Lee_2005, Keiles_2006, Nakano_2015, Cho_2016), Congenital Bilateral Absence of the Vas Deferens (CBAVD; Braekeleer_1996, Dork_1997, Danziger_2004, Ratbi_2007, Steiner_2011, Claustres_2017), and bronchiecstasis (Lee_2003). In at least several of these patients, a second pathogenic mutation in CFTR was identified, while in others, a second variant was not found. The variant has also been reported in individuals affected by severe asthma (Ngiam_2006), primary sclerosing cholangitis (Pall_2007), sarcoidosis (Makrythanasis_2010), impaired male fertility (Rudnik-Shoneborn_2021) and azoospermia (Ooi_2014). These reports do not contain co-segregation information definitively associating the variant with disease. Several case-control studies report over-representation of the Gln1352His variant in individuals affected with chronic pancreatitis phenotypes (Lee_2003, Fujuiki_2004, Nakano_2015), however the significance of these results is unknown. The variant has also been reported as part of a complex allele with p.I807M in the compound heterozygous state with known pathogenic alleles in asymptomatic individuals (Claustres_2017). More than one publication reports experimental evidence evaluating an impact on protein function, indicating that variant results in defective protein expression and channel kinetics (Lee_2003, Bihler_2024). Collectively, the currently available information suggests that the Gln1352His variants could be associated with mild CFTR-related phenotypes, however further evidence such as co-segregation studies are needed to conclusively establish association with these CFTR-related diseases. The following publications have been ascertained in the context of this evaluation (PMID: 15716623, 22324837, 16596947, 32025909, 38388235, 9239681, 27578509, 28603918, 15705292, 14998948, 9272157, 15121783, 20021716, 20052366, 32084388, 28456595, 33502066, 17003641, 15829248, 12952861, 25880441, 20722470, 22664493, 31808782, 25492507, 15645635, 16678503, 27324553, 20558957, 24697796, 17719933, 25735457, 29805046, 17329263, 33374015, 18304229, 26708955, 21520337, 31940241, 16435054, 19812525, 29216686). ClinVar contains an entry for this variant (Variation ID: 35882). Based on the evidence outlined above, the variant was classified as VUS-possibly pathogenic.

Ambry Genetics
Classification: Uncertain significance for Cystic fibrosis. Last evaluated: 2025-09-24. Review status: criteria provided, single submitter. Criteria: Ambry Variant Classification Scheme 2023. Collection method: clinical testing. Allele origin: germline.
Comment: The p.Q1352H variant (also known as c.4056G>T) is located in coding exon 25 of the CFTR gene. This alteration results from a G to T substitution at nucleotide position 4056. The glutamine at codon 1352 is replaced by histidine, an amino acid with highly similar properties. This same amino acid change has been reported in the literature as the result of a different underlying nucleotide substitution (c.4056G>C). The p.Q1352H substitution was found to be significantly associated with bronchiectasis in a small Korean population. In addition, in vitro functional studies showed that this amino acid substitution results in a 70-80% reduction in the expression of the mature glycosylated CFTR protein and in chloride channel activity (Lee JH et al. Hum Mol Gen. 2003; 12(18):2321-2332). Other studies report an association with chronic pancreatitis or pulmonary disease, but these studies failed to control for confounding factors, analyze other potential genes, or reach statistical significance (Fujiki K et al. J Med Genet. 2004;41(5):e55; Ngiam N et al. J Cyst Fibrosis. 2006;5(3):159-164). A recent study found a strong association of this variant with chronic pancreatitis; of 193 patients tested, 10% carried this variant (p = 0.005) (Nakano et al 2015; Dig Dis Sci; 60(5):1297-307). This amino acid position is highly conserved on sequence alignment. This alteration is predicted to be deleterious by BayesDel in silico analysis. Based on available evidence, this variant is unlikely to be causative of classic CF; however, its clinical contribution to the development of a CFTR-related disorder in specific populations is uncertain.

ARUP Laboratories, Molecular Genetics and Genomics, ARUP Laboratories
Classification: Pathogenic for Cystic fibrosis; Bronchiectasis with or without elevated sweat chloride 1; Hereditary pancreatitis; Congenital bilateral aplasia of vas deferens from CFTR mutation. Last evaluated: 2025-07-17. Review status: criteria provided, single submitter. Criteria: ARUP Molecular Germline Variant Investigation Process 2024. Collection method: clinical testing. Allele origin: germline.
Comment: The CFTR c.4056G>T; p.Gln1352His variant (rs113857788, ClinVar Variation ID: 35882), and another variant resulting in the same amino acid change (c.4056G>C; p.Gln1352His), are reported in the literature in multiple individuals affected with CFTR-related disorders such as pancreatitis and congenital bilateral absence of the vas deferens (Anzai 2003, Claustres 2017, Lee 2003, Ratbi 2007). The p.Gln1352His variant is also reported to be enriched in Asian pancreatitis patients compared to unaffected individuals (Claustres 2005, Kondo 2015, Nakano 2015). Expression of the variant protein in a cell line reveals a significant reduction in mature CFTR protein detected compared to wildtype (Lee 2003). The c.4056G>T; p.Gln1352His variant is found in the general population with an overall allele frequency of 0.006% (17/282620 alleles) in the Genome Aggregation Database (v2.1.1). Computational analyses predict that this variant is deleterious (REVEL: 0.921). Based on available information, this variant is considered to be mildly pathogenic. References: Anzai C et al. CFTR gene mutations in Japanese individuals with congenital bilateral absence of the vas deferens. J Cyst Fibros. 2003; 2(1):14-8. PMID: 15463840. Claustres M et al. Molecular pathology of the CFTR locus in male infertility. Reprod Biomed Online. 2005 Jan;10(1):14-41. PMID: 15705292. Claustres M et al. CFTR-France, a national relational patient database for sharing genetic and phenotypic data associated with rare CFTR variants. Hum Mutat. 2017 Oct;38(10):1297-1315. PMID: 28603918. Kondo S et al. Functional characteristics of L1156F-CFTR associated with alcoholic chronic pancreatitis in Japanese. Am J Physiol Gastrointest Liver Physiol. 2015 Aug 15;309(4):G260-9. PMID: 26089335. Lee J et al. A haplotype-based molecular analysis of CFTR mutations associated with respiratory and pancreatic diseases. Hum Mol Genet. 2003; 12(18):2321-32. PMID: 12952861. Nakano E et al. Targeted next-generation sequencing effectively analyzed the cystic fibrosis transmembrane conductance regulator gene in pancreatitis. Dig Dis Sci. 2015 May;60(5):1297-307. PMID: 25492507. Ratbi I et al. Detection of cystic fibrosis transmembrane conductance regulator (CFTR) gene rearrangements enriches the mutation spectrum in congenital bilateral absence of the vas deferens and impacts on genetic counselling. Hum Reprod. 2007; 22(5):1285-91. PMID: 17329263.